The following is an entry in ClinVar:

NM_002049.4(GATA1):c.61C>T (p.Pro21Ser)

Gene: GATA1 (GATA binding protein 1; plus strand). Cytogenetic location: Xp11.23.
Variant type: single nucleotide variant.
Coding change: c.61C>T on transcript NM_002049.4 (MANE Select); coding-DNA position 61, C replaced by T.
Protein change: p.Pro21Ser; replaces proline 21 with serine.
Molecular consequence: missense variant.
Genome position (GRCh38, 1-based): chrX:48,791,170, C>T. VCF-style: chrX-48791170-C-T. GRCh37 (hg19) VCF-style: chrX-48649577-C-T.
Other names: short protein forms P21S.
Identifiers: ClinVar variation 2927781 (VCV002927781.3), dbSNP rs1557020013, ClinGen allele CA412866791.

ClinVar aggregate classification (germline): Uncertain significance (1 of 4 stars; one submission).

Conditions:
Diamond-Blackfan anemia. Also called: Blackfan Diamond syndrome; Aregenerative anemia chronic congenital; Red cell aplasia, pure hereditary; Congenital hypoplastic anemia; Aase syndrome. Identifiers: Orphanet 124, MedGen C1260899, MeSH D029503, MONDO:0015253, HP:0004810.
GATA binding protein 1 related thrombocytopenia with dyserythropoiesis. Also called: GATA1-Related Cytopenia; GATA1-Related X-Linked Cytopenia. Identifiers: MedGen C1845837, MONDO:0100089.

Allele frequency attached by ClinVar (database versions not stated): TOPMed below 0.00001; gnomAD 0.00001; gnomAD exomes 0.00002.

Submission:

Labcorp Genetics (formerly Invitae), Labcorp
Classification: Uncertain significance for GATA binding protein 1 related thrombocytopenia with dyserythropoiesis; Diamond-Blackfan anemia. Last evaluated: 2023-02-16. Review status: criteria provided, single submitter. Criteria: Invitae Variant Classification Sherloc (09022015). Collection method: clinical testing. Allele origin: germline.
Comment: This sequence change replaces proline, which is neutral and non-polar, with serine, which is neutral and polar, at codon 21 of the GATA1 protein (p.Pro21Ser). This variant is present in population databases (no rsID available, gnomAD 0.003%). This variant has not been reported in the literature in individuals affected with GATA1-related conditions. Algorithms developed to predict the effect of missense changes on protein structure and function output the following: SIFT: "Not Available"; PolyPhen-2: "Benign"; Align-GVGD: "Not Available". The serine amino acid residue is found in multiple mammalian species, which suggests that this missense change does not adversely affect protein function. In summary, the available evidence is currently insufficient to determine the role of this variant in disease. Therefore, it has been classified as a Variant of Uncertain Significance.